The following is an entry in ClinVar:

ClinVar aggregate classification (germline): Conflicting classifications of pathogenicity. Review status: criteria provided, conflicting classifications (1 of 4 stars). 3 submissions from 3 submitters: Uncertain significance (1); Benign (1). 1 of the submissions does not count toward it. Last evaluated 2025-12-09.

Conditions:
Dalmatian hypouricemia (RHUC1). Identifiers: MedGen C0473219, MONDO:0020728, OMIM 220150.
SLC22A12-related disorder. Also called: SLC22A12-related condition.

Allele frequency attached by ClinVar (database versions not stated): gnomAD exomes 0.00004 and 0.00020; TOPMed 0.00014; gnomAD 0.00016; ExAC 0.00018; 1000 Genomes Project 30x 0.00047; 1000 Genomes Project 0.00060.

Submissions (3):

Labcorp Genetics (formerly Invitae), Labcorp
Classification: Benign. Last evaluated: 2025-12-09. Review status: criteria provided, single submitter. Criteria: Invitae Variant Classification Sherloc (09022015). Collection method: clinical testing. Allele origin: germline.

Illumina Laboratory Services, Illumina
Classification: Uncertain significance for Dalmatian hypouricemia. Last evaluated: 2018-02-02. Review status: criteria provided, single submitter. Criteria: ICSL Variant Classification Criteria 13 December 2019. Collection method: clinical testing. Allele origin: germline.

PreventionGenetics, part of Exact Sciences
Classification: Likely benign for SLC22A12-related condition. Last evaluated: 2020-01-02. Review status: no assertion criteria provided. Collection method: clinical testing. Allele origin: germline. Not counted in ClinVar's aggregate classification.
Comment: This variant is classified as likely benign based on ACMG/AMP sequence variant interpretation guidelines (Richards et al. 2015 PMID: 25741868, with internal and published modifications).

NM_144585.4(SLC22A12):c.1195C>T (p.Leu399=)

Gene: SLC22A12 (solute carrier family 22 member 12; plus strand). Cytogenetic location: 11q13.1.
Variant type: single nucleotide variant.
Coding change: c.1195C>T on transcript NM_144585.4 (MANE Select); coding-DNA position 1195, C replaced by T.
Protein change: p.Leu399=; no amino-acid change (leucine 399 retained).
Molecular consequence: synonymous variant.
Genome position (GRCh38, 1-based): chr11:64,599,800, C>T. VCF-style: chr11-64599800-C-T. GRCh37 (hg19) VCF-style: chr11-64367272-C-T.
Other names: c.1093C>T, p.Leu365= (NM_001276326.2); c.871C>T, p.Leu291= (NM_001276327.2); c.532C>T, p.Leu178= (NM_153378.3).
Identifiers: ClinVar variation 877264 (VCV000877264.10), dbSNP rs543512307, ClinGen allele CA6077336.